The following is an entry in ClinVar:

NM_001099271.2(POC5):c.994A>G (p.Asn332Asp)

Gene: POC5 (POC5 centriolar protein; minus strand). Cytogenetic location: 5q13.3.
Variant type: single nucleotide variant.
Coding change: c.994A>G on transcript NM_001099271.2 (MANE Select); coding-DNA position 994, A replaced by G.
Protein change: p.Asn332Asp; replaces asparagine 332 with aspartic acid.
Molecular consequence: missense variant.
Genome position (GRCh38, 1-based): chr5:75,689,147, T>C on the plus strand (A>G on the coding strand, the complement: POC5 is on the minus strand). VCF-style: chr5-75689147-T-C. GRCh37 (hg19) VCF-style: chr5-74984972-T-C.
Other names: c.994A>G (NM_001099271.1); c.919A>G, p.Asn307Asp (NM_152408.3); short protein forms N307D, N332D.
Identifiers: ClinVar variation 3019335 (VCV003019335.4), dbSNP rs573472803, ClinGen allele CA3310421.

ClinVar aggregate classification (germline): Uncertain significance. Review status: criteria provided, multiple submitters, no conflicts (2 of 4 stars). 2 submissions from 2 submitters: Uncertain significance (2). Last evaluated 2024-06-25.

Allele frequency attached by ClinVar (database versions not stated): gnomAD exomes 0.00001; ExAC 0.00003; gnomAD 0.00009; TOPMed 0.00014; 1000 Genomes Project 0.00020; 1000 Genomes Project 30x 0.00031.
gnomAD v4.1: 25 of 1,557,842 alleles (0.0016%); highest among the groups gnomAD compares: African/African-American, 0.033%; no homozygotes.

Submissions (2):

Ambry Genetics
Classification: Uncertain significance. Last evaluated: 2024-06-25. Review status: criteria provided, single submitter. Criteria: Ambry Variant Classification Scheme 2023. Collection method: clinical testing. Allele origin: germline.

Labcorp Genetics (formerly Invitae), Labcorp
Classification: Uncertain significance. Last evaluated: 2023-11-24. Review status: criteria provided, single submitter. Criteria: Invitae Variant Classification Sherloc (09022015). Collection method: clinical testing. Allele origin: germline.
Comment: This sequence change replaces asparagine, which is neutral and polar, with aspartic acid, which is acidic and polar, at codon 332 of the POC5 protein (p.Asn332Asp). The frequency data for this variant in the population databases is considered unreliable, as metrics indicate poor data quality at this position in the gnomAD database. This variant has not been reported in the literature in individuals affected with POC5-related conditions. An algorithm developed to predict the effect of missense changes on protein structure and function (PolyPhen-2) suggests that this variant is likely to be disruptive. In summary, the available evidence is currently insufficient to determine the role of this variant in disease. Therefore, it has been classified as a Variant of Uncertain Significance.